The following is an entry in ClinVar:

NM_001457.4(FLNB):c.7187G>C (p.Gly2396Ala)

Genes: FLNB (filamin B; plus strand), FLNB-AS1 (FLNB antisense RNA 1; minus strand). Cytogenetic location: 3p14.3.
Variant type: single nucleotide variant.
Coding change: c.7187G>C on transcript NM_001457.4 (MANE Select); coding-DNA position 7187, G replaced by C.
Protein change: p.Gly2396Ala; replaces glycine 2396 with alanine.
Molecular consequence: missense variant. On other transcripts: non-coding transcript variant (1).
Genome position (GRCh38, 1-based): chr3:58,163,319, G>C. VCF-style: chr3-58163319-G-C. GRCh37 (hg19) VCF-style: chr3-58149046-G-C.
Other names: c.7280G>C, p.Gly2427Ala (NM_001164317.2); c.7154G>C, p.Gly2385Ala (NM_001164318.2); c.7115G>C, p.Gly2372Ala (NM_001164319.2); short protein forms G2372A, G2385A, G2396A, G2427A.
Identifiers: ClinVar variation 1461473 (VCV001461473.8), dbSNP rs142514904, ClinGen allele CA353365082.

ClinVar aggregate classification (germline): Uncertain significance (1 of 4 stars; one submission).

gnomAD v4.1: 1 of 1,614,186 alleles (0.000062%); highest among the groups gnomAD compares: Non-Finnish European, 0.000085%; no homozygotes.

Submission:

Labcorp Genetics (formerly Invitae), Labcorp
Classification: Uncertain significance. Last evaluated: 2022-08-09. Review status: criteria provided, single submitter. Criteria: Invitae Variant Classification Sherloc (09022015). Collection method: clinical testing. Allele origin: germline.
Comment: This sequence change replaces glycine, which is neutral and non-polar, with alanine, which is neutral and non-polar, at codon 2396 of the FLNB protein (p.Gly2396Ala). This variant is not present in population databases (gnomAD no frequency). This variant has not been reported in the literature in individuals affected with FLNB-related conditions. ClinVar contains an entry for this variant (Variation ID: 1461473). Advanced modeling of protein sequence and biophysical properties (such as structural, functional, and spatial information, amino acid conservation, physicochemical variation, residue mobility, and thermodynamic stability) performed at Invitae indicates that this missense variant is not expected to disrupt FLNB protein function. In summary, the available evidence is currently insufficient to determine the role of this variant in disease. Therefore, it has been classified as a Variant of Uncertain Significance.